The following is an entry in ClinVar:

NM_002029.4(FPR1):c.367C>T (p.Arg123Cys)

Gene: FPR1 (formyl peptide receptor 1; minus strand). Cytogenetic location: 19q13.41.
Variant type: single nucleotide variant.
Coding change: c.367C>T on transcript NM_002029.4 (MANE Select); coding-DNA position 367, C replaced by T.
Protein change: p.Arg123Cys; replaces arginine 123 with cysteine.
Molecular consequence: missense variant.
Genome position (GRCh38, 1-based): chr19:51,746,628, G>A on the plus strand (C>T on the coding strand, the complement: FPR1 is on the minus strand). VCF-style: chr19-51746628-G-A. GRCh37 (hg19) VCF-style: chr19-52249881-G-A.
Other names: c.367C>T, p.Arg123Cys (NM_001193306.2); short protein forms R123C.
Identifiers: ClinVar variation 1398802 (VCV001398802.6), dbSNP rs764940294, ClinGen allele CA9616478.

ClinVar aggregate classification (germline): Uncertain significance (1 of 4 stars; one submission).

Conditions:
Gingival disorder. Also called: Gingival disease. Identifiers: MedGen C0017563, MONDO:0002021.

Allele frequency attached by ClinVar (database versions not stated): gnomAD 0.00001; gnomAD exomes 0.00001; ExAC 0.00002; TOPMed 0.00002.

Submission:

Labcorp Genetics (formerly Invitae), Labcorp
Classification: Uncertain significance for Gingival disorder. Last evaluated: 2025-02-13. Review status: criteria provided, single submitter. Criteria: Invitae Variant Classification Sherloc (09022015). Collection method: clinical testing. Allele origin: germline.
Comment: This sequence change replaces arginine, which is basic and polar, with cysteine, which is neutral and slightly polar, at codon 123 of the FPR1 protein (p.Arg123Cys). This variant is present in population databases (rs764940294, gnomAD 0.002%). This variant has not been reported in the literature in individuals affected with FPR1-related conditions. ClinVar contains an entry for this variant (Variation ID: 1398802). An algorithm developed to predict the effect of missense changes on protein structure and function (PolyPhen-2) suggests that this variant is likely to be disruptive. In summary, the available evidence is currently insufficient to determine the role of this variant in disease. Therefore, it has been classified as a Variant of Uncertain Significance.